The following is an entry in ClinVar:

NM_001164508.2(NEB):c.6088C>T (p.Leu2030Phe)

Gene: NEB (nebulin; minus strand). Cytogenetic location: 2q23.3.
Variant type: single nucleotide variant.
Coding change: c.6088C>T on transcript NM_001164508.2 (MANE Select); coding-DNA position 6088, C replaced by T.
Protein change: p.Leu2030Phe; replaces leucine 2030 with phenylalanine.
Molecular consequence: missense variant.
Genome position (GRCh38, 1-based): chr2:151,658,078, G>A on the plus strand (C>T on the coding strand, the complement: NEB is on the minus strand). VCF-style: chr2-151658078-G-A. GRCh37 (hg19) VCF-style: chr2-152514592-G-A.
Other names: c.6088C>T (NM_004543.4); c.6088C>T, p.Leu2030Phe (NM_001164507.2, NM_001271208.2, NM_004543.5); short protein forms L2030F.
Identifiers: ClinVar variation 465622 (VCV000465622.25), dbSNP rs200251444, ClinGen allele CA1910178.

ClinVar aggregate classification (germline): Conflicting classifications of pathogenicity. Review status: criteria provided, conflicting classifications (1 of 4 stars). 8 submissions from 8 submitters: Uncertain significance (4); Likely benign (2). 2 of the submissions do not count toward it. Last evaluated 2026-02-25.

Conditions:
Inborn genetic diseases. Identifiers: MedGen C0950123, MeSH D030342.
NEB-related disorder. Also called: NEB-Related Disorders; NEB-related condition.
Nemaline myopathy 2 (NEM2). Also called: Nemaline myopathy 2, autosomal recessive. Identifiers: MedGen C1850569, MONDO:0009725, OMIM 256030.

Allele frequency attached by ClinVar (database versions not stated): 1000 Genomes Project 0.00020; gnomAD 0.00055 and 0.00063; gnomAD exomes 0.00006 and 0.00013; ExAC 0.00029; ESP Exome Variant Server 0.00051; 1000 Genomes Project 30x 0.00016; TOPMed 0.00066.
gnomAD v4.1: 176 of 1,596,174 alleles (0.011%); highest among the groups gnomAD compares: African/African-American, 0.21%; no homozygotes.

Submissions (8):

GeneDx
Classification: Uncertain significance. Last evaluated: 2026-02-25. Review status: criteria provided, single submitter. Criteria: GeneDx Variant Classification Process June 2021. Collection method: clinical testing. Allele origin: germline.
Comment: In silico analysis suggests that this missense variant does not alter protein structure/function; Has not been previously published as pathogenic or benign to our knowledge

Labcorp Genetics (formerly Invitae), Labcorp
Classification: Likely benign for Nemaline myopathy 2. Last evaluated: 2026-01-09. Review status: criteria provided, single submitter. Criteria: Invitae Variant Classification Sherloc (09022015). Collection method: clinical testing. Allele origin: germline.

Women's Health and Genetics/Laboratory Corporation of America, LabCorp
Classification: Uncertain significance. Last evaluated: 2025-12-11. Review status: criteria provided, single submitter. Criteria: LabCorp Variant Classification Summary - May 2015. Collection method: clinical testing. Allele origin: germline.
Comment: Variant summary: NEB c.6088C>T (p.Leu2030Phe) results in a non-conservative amino acid change in the encoded protein sequence. Algorithms developed to predict the effect of missense changes on protein structure and function are either unavailable or do not agree on the potential impact of this missense change. The variant allele was found at a frequency of 0.00013 in 233848 control chromosomes. This frequency is not significantly higher than estimated for disease-causing variants in NEB, allowing no conclusion about variant significance. To our knowledge, no occurrence of c.6088C>T in individuals affected with NEB-related conditions and no experimental evidence demonstrating its impact on protein function have been reported. ClinVar contains an entry for this variant (Variation ID: 465622). Based on the evidence outlined above, the variant was classified as uncertain significance.

Ambry Genetics
Classification: Uncertain significance for Inborn genetic diseases. Last evaluated: 2024-11-25. Review status: criteria provided, single submitter. Criteria: Ambry Variant Classification Scheme 2023. Collection method: clinical testing. Allele origin: germline.

Revvity Omics, Revvity
Classification: Likely benign. Last evaluated: 2023-03-29. Review status: criteria provided, single submitter. Criteria: ACMG Guidelines, 2015. Collection method: clinical testing. Allele origin: germline.

Eurofins Ntd Llc (ga)
Classification: Uncertain significance. Last evaluated: 2016-12-21. Review status: criteria provided, single submitter. Criteria: EGL Classification Definitions 2015. Collection method: clinical testing. Allele origin: germline. Observed: 2 variant alleles, 2 heterozygotes.

PreventionGenetics, part of Exact Sciences
Classification: Likely benign for NEB-related condition. Last evaluated: 2023-07-30. Review status: no assertion criteria provided. Collection method: clinical testing. Allele origin: germline. Not counted in ClinVar's aggregate classification.
Comment: This variant is classified as likely benign based on ACMG/AMP sequence variant interpretation guidelines (Richards et al. 2015 PMID: 25741868, with internal and published modifications).

Department of Pathology and Laboratory Medicine, Sinai Health System
Classification: Uncertain significance. Review status: no assertion criteria provided. Collection method: clinical testing. Allele origin: unknown. Affected: yes. Study: The Canadian Open Genetics Repository (COGR). Not counted in ClinVar's aggregate classification.
Comment: The NEB p.Leu2030Phe variant was not identified in the literature nor was it identified in Cosmic, MutDB or LOVD 3.0. The variant was identified in dbSNP (ID: rs200251444) and in ClinVar with conflicting interpretations of pathogenicity (classified as likely benign by Invitae and uncertain significance by EGL Genetic diagnostics). The variant is associated with Nemaline myopathy 2. The variant was identified in control databases in 45 of 265236 chromosomes at a frequency of 0.00017 (Genome Aggregation Database Feb 27, 2017). The variant was observed in the following populations: African in 40 of 23168 chromosomes (freq: 0.001727), Latino in 5 of 33694 chromosomes (freq: 0.000148), while the variant was not observed in the Ashkenazi Jewish, East Asian, European (Finnish), European (non-Finnish), Other, and South Asian populations. The p.Leu2030 residue is conserved in mammals and computational analyses (PolyPhen-2, SIFT, AlignGVGD, BLOSUM, MutationTaster) provide inconsistent predictions regarding the impact to the protein; this information is not very predictive of pathogenicity. The variant occurs outside of the splicing consensus sequence and in silico or computational prediction software programs (SpliceSiteFinder, MaxEntScan, NNSPLICE, GeneSplicer) do not predict a difference in splicing. In summary, based on the above information the clinical significance of this variant cannot be determined with certainty at this time. This variant is classified as a variant of uncertain significance.